The following is an entry in ClinVar:

NM_001540.5(HSPB1):c.298G>A (p.Asp100Asn)

Gene: HSPB1 (heat shock protein family B (small) member 1; plus strand). Cytogenetic location: 7q11.23.
Variant type: single nucleotide variant.
Coding change: c.298G>A on transcript NM_001540.5 (MANE Select); coding-DNA position 298, G replaced by A.
Protein change: p.Asp100Asn; replaces aspartic acid 100 with asparagine.
Molecular consequence: missense variant.
Genome position (GRCh38, 1-based): chr7:76,303,010, G>A. VCF-style: chr7-76303010-G-A. GRCh37 (hg19) VCF-style: chr7-75932327-G-A.
Other names: short protein forms D100N.
Identifiers: ClinVar variation 3896537 (VCV003896537.2).

ClinVar aggregate classification (germline): Uncertain significance (1 of 4 stars; one submission).

gnomAD v4.1: 1 of 1,543,654 alleles (0.000065%); highest among the groups gnomAD compares: South Asian, 0.0012%; no homozygotes.

Submission:

Women's Health and Genetics/Laboratory Corporation of America, LabCorp
Classification: Uncertain significance. Last evaluated: 2025-04-02. Review status: criteria provided, single submitter. Criteria: LabCorp Variant Classification Summary - May 2015. Collection method: clinical testing. Allele origin: germline.
Comment: Variant summary: HSPB1 c.298G>A (p.Asp100Asn) results in a conservative amino acid change in the encoded protein sequence. Three of five in-silico tools predict a damaging effect of the variant on protein function. The variant allele was found at a frequency of 6.5e-06 in 153480 control chromosomes. The available data on variant occurrences in the general population are insufficient to allow any conclusion about variant significance. To our knowledge, no occurrence of c.298G>A in individuals affected with Charcot-Marie-Tooth disease axonal type 2F and no experimental evidence demonstrating its impact on protein function have been reported. No submitters have cited clinical-significance assessments for this variant to ClinVar. Based on the evidence outlined above, the variant was classified as uncertain significance.